The following is an entry in ClinVar:

NM_001267550.2(TTN):c.55143C>T (p.Asp18381=)

Genes: TTN (titin; minus strand), TTN-AS1 (TTN antisense RNA 1; plus strand). Cytogenetic location: 2q31.2.
Variant type: single nucleotide variant.
Coding change: c.55143C>T on transcript NM_001267550.2 (MANE Select); coding-DNA position 55143, C replaced by T.
Protein change: p.Asp18381=; no amino-acid change (aspartic acid 18381 retained).
Molecular consequence: synonymous variant.
Genome position (GRCh38, 1-based): chr2:178,602,128, G>A on the plus strand (C>T on the coding strand, the complement: TTN is on the minus strand). VCF-style: chr2-178602128-G-A. GRCh37 (hg19) VCF-style: chr2-179466855-G-A.
Other names: c.50220C>T, p.Asp16740= (NM_001256850.1); c.27948C>T, p.Asp9316= (NM_003319.4); c.47439C>T, p.Asp15813= (NM_133378.4); c.28323C>T, p.Asp9441= (NM_133432.3); c.28524C>T, p.Asp9508= (NM_133437.4).
Identifiers: ClinVar variation 386250 (VCV000386250.11), dbSNP rs1057522461, ClinGen allele CA16604143.

ClinVar aggregate classification (germline): Likely benign. Review status: criteria provided, multiple submitters, no conflicts (2 of 4 stars). 3 submissions from 3 submitters: Likely benign (3). Last evaluated 2025-11-17.

Conditions:
Cardiovascular phenotype. Identifiers: MedGen CN230736.
Dilated cardiomyopathy 1G (CMD1G). Identifiers: Orphanet 154, MedGen C1858763, MONDO:0011400, OMIM 604145.
Autosomal recessive limb-girdle muscular dystrophy type 2J (LGMDR10). Also called: Limb-girdle muscular dystrophy, type 2J; MUSCULAR DYSTROPHY, LIMB-GIRDLE, AUTOSOMAL RECESSIVE 10. Identifiers: Orphanet 140922, MedGen C1837342, MONDO:0012127, OMIM 608807.

Allele frequency attached by ClinVar (database versions not stated): gnomAD 0.00001; gnomAD exomes 0.00001; TOPMed 0.00001.
gnomAD v4.1: 20 of 1,606,372 alleles (0.0012%); highest among the groups gnomAD compares: Admixed American, 0.0017%; no homozygotes.

Submissions (3):

Labcorp Genetics (formerly Invitae), Labcorp
Classification: Likely benign for Dilated cardiomyopathy 1G; Autosomal recessive limb-girdle muscular dystrophy type 2J. Last evaluated: 2025-11-17. Review status: criteria provided, single submitter. Criteria: Invitae Variant Classification Sherloc (09022015). Collection method: clinical testing. Allele origin: germline.

Ambry Genetics
Classification: Likely benign for Cardiovascular phenotype. Last evaluated: 2021-06-01. Review status: criteria provided, single submitter. Criteria: Ambry Variant Classification Scheme 2023. Collection method: clinical testing. Allele origin: germline.

GeneDx
Classification: Likely benign. Last evaluated: 2016-05-31. Review status: criteria provided, single submitter. Criteria: GeneDx Variant Classification (06012015). Collection method: clinical testing. Allele origin: germline. Affected: yes.
Comment: This variant is considered likely benign or benign based on one or more of the following criteria: it is a conservative change, it occurs at a poorly conserved position in the protein, it is predicted to be benign by multiple in silico algorithms, and/or has population frequency not consistent with disease.